The following is an entry in ClinVar:

ClinVar aggregate classification (germline): Uncertain significance. Review status: criteria provided, multiple submitters, no conflicts (2 of 4 stars). 3 submissions from 3 submitters: Uncertain significance (3). Last evaluated 2026-06-22.

Conditions:
CCBE1-related disorder. Also called: CCBE1-related condition.

Allele frequency attached by ClinVar (database versions not stated): gnomAD 0.00005; TOPMed 0.00009.

Submissions (3):

PreventionGenetics, part of Exact Sciences
Classification: Uncertain significance for CCBE1-related condition. Last evaluated: 2026-06-22. Review status: criteria provided, single submitter. Criteria: ACMG Guidelines, 2015. Collection method: clinical testing. Allele origin: germline.
Comment: The CCBE1 c.379C>T variant is predicted to result in the amino acid substitution p.Arg127Trp. To our knowledge, this variant has not been reported in the literature. This variant is reported in 0.031% of alleles in individuals of European (Non-Finnish) descent in gnomAD. At this time, the clinical significance of this variant is uncertain due to the absence of conclusive functional and genetic evidence.

Labcorp Genetics (formerly Invitae), Labcorp
Classification: Uncertain significance. Last evaluated: 2023-02-13. Review status: criteria provided, single submitter. Criteria: Invitae Variant Classification Sherloc (09022015). Collection method: clinical testing. Allele origin: germline.
Comment: This variant is present in population databases (rs368235813, gnomAD 0.03%). This sequence change replaces arginine, which is basic and polar, with tryptophan, which is neutral and slightly polar, at codon 127 of the CCBE1 protein (p.Arg127Trp). This variant has not been reported in the literature in individuals affected with CCBE1-related conditions. ClinVar contains an entry for this variant (Variation ID: 429540). Advanced modeling of protein sequence and biophysical properties (such as structural, functional, and spatial information, amino acid conservation, physicochemical variation, residue mobility, and thermodynamic stability) has been performed at Invitae for this missense variant, however the output from this modeling did not meet the statistical confidence thresholds required to predict the impact of this variant on CCBE1 protein function. In summary, the available evidence is currently insufficient to determine the role of this variant in disease. Therefore, it has been classified as a Variant of Uncertain Significance.

GeneDx
Classification: Uncertain significance. Last evaluated: 2017-04-27. Review status: criteria provided, single submitter. Criteria: GeneDx Variant Classification (06012015). Collection method: clinical testing. Allele origin: germline. Affected: yes.
Comment: The R127W variant in the CCBE1 gene has not been reported previously as a pathogenic variant, nor as a benign variant, to our knowledge. The R127W variant is observed in 31/65836 (0.05%) alleles from individuals of non-Finnish European background in the ExAC dataset (Lek et al., 2016). The R127W variant is a non-conservative amino acid substitution, which is likely to impact secondary protein structure as these residues differ in polarity, charge, size and/or other properties. This substitution occurs at a position where amino acids with similar properties to Arginine are tolerated across species. In silico analysis predicts this variant is probably damaging to the protein structure/function. We interpret R127W as a variant of uncertain significance.

NM_133459.4(CCBE1):c.379C>T (p.Arg127Trp)

Gene: CCBE1 (collagen and calcium binding EGF domains 1; minus strand). Cytogenetic location: 18q21.32.
Variant type: single nucleotide variant.
Coding change: c.379C>T on transcript NM_133459.4 (MANE Select); coding-DNA position 379, C replaced by T.
Protein change: p.Arg127Trp; replaces arginine 127 with tryptophan.
Molecular consequence: missense variant.
Genome position (GRCh38, 1-based): chr18:59,469,494, G>A on the plus strand (C>T on the coding strand, the complement: CCBE1 is on the minus strand). VCF-style: chr18-59469494-G-A. GRCh37 (hg19) VCF-style: chr18-57136726-G-A.
Other names: c.379C>T, p.Arg127Trp (LRG_1209t1); short protein forms R127W.
Identifiers: ClinVar variation 429540 (VCV000429540.7), dbSNP rs368235813, ClinGen allele CA8980518.